The following is an entry in ClinVar:

ClinVar aggregate classification (germline): Conflicting classifications of pathogenicity. Review status: criteria provided, conflicting classifications (1 of 4 stars). 3 submissions from 3 submitters: Uncertain significance (1); Benign (2). Last evaluated 2026-02-01.

Conditions:
Xeroderma pigmentosum, group C (XPC). Also called: Xeroderma pigmentosum, complementation group C; XERODERMA PIGMENTOSUM III; XP, GROUP C; XPC-Related Xeroderma Pigmentosum. Identifiers: Orphanet 910, MedGen C2752147, MONDO:0010211, OMIM 278720.

Allele frequency attached by ClinVar (database versions not stated): gnomAD 0.00007 and 0.00038; ESP Exome Variant Server 0.00008; TOPMed 0.00009; gnomAD exomes 0.00149; ExAC 0.00164; 1000 Genomes Project 30x 0.00172; 1000 Genomes Project 0.00200.
gnomAD v4.1: 1,057 of 1,479,406 alleles (0.071%); highest among the groups gnomAD compares: South Asian, 1.1%; 13 homozygotes.

Submissions (3):

Labcorp Genetics (formerly Invitae), Labcorp
Classification: Benign. Last evaluated: 2026-02-01. Review status: criteria provided, single submitter. Criteria: Invitae Variant Classification Sherloc (09022015). Collection method: clinical testing. Allele origin: germline.

CeGaT Center for Human Genetics Tuebingen
Classification: Benign. Last evaluated: 2024-06-01. Review status: criteria provided, single submitter. Criteria: CeGaT Center For Human Genetics Tuebingen Variant Classification Criteria Version 2. Collection method: clinical testing. Allele origin: germline. Affected: yes. Observed: 2 variant alleles.
Comment: XPC: BP4, BP7, BS1, BS2

Illumina Laboratory Services, Illumina
Classification: Uncertain significance for Xeroderma pigmentosum, group C. Last evaluated: 2017-04-27. Review status: criteria provided, single submitter. Criteria: ICSL Variant Classification Criteria 13 December 2019. Collection method: clinical testing. Allele origin: germline.
Comment: This variant was observed as part of a predisposition screen in an ostensibly healthy population. A literature search was performed for the gene, cDNA change, and amino acid change (where applicable). Publications were found based on this search. However, the evidence from the literature, in combination with allele frequency data from public databases where available, was not sufficient to rule this variant in or out of causing disease. Therefore, this variant is classified as a variant of unknown significance.

Literature cited by the submitters: PubMed 18478970 (cited by Illumina Laboratory Services, Illumina).

NM_004628.5(XPC):c.102G>A (p.Glu34=)

Genes: XPC (XPC complex subunit, DNA damage recognition and repair factor; minus strand), LOC129936244 (ATAC-STARR-seq lymphoblastoid active region 19500; plus strand). Cytogenetic location: 3p25.1.
Variant type: single nucleotide variant.
Coding change: c.102G>A on transcript NM_004628.5 (MANE Select); coding-DNA position 102, G replaced by A.
Protein change: p.Glu34=; no amino-acid change (glutamic acid 34 retained).
Molecular consequence: synonymous variant. On other transcripts: 5 prime UTR variant (1), non-coding transcript variant (2), intron variant (1).
Genome position (GRCh38, 1-based): chr3:14,178,467, C>T on the plus strand (G>A on the coding strand, the complement: XPC is on the minus strand). VCF-style: chr3-14178467-C-T. GRCh37 (hg19) VCF-style: chr3-14219967-C-T.
Other names: c.-354G>A (NM_001354726.2); c.102G>A, p.Glu34= (NM_001354727.2, NM_001354730.2); c.85+17G>A (NM_001354729.2).
Identifiers: ClinVar variation 721485 (VCV000721485.38), dbSNP rs72561774, ClinGen allele CA2267822.